The following is an entry in ClinVar:

ClinVar aggregate classification (germline): Likely pathogenic (1 of 4 stars; one submission).

Conditions:
Jeune thoracic dystrophy. Also called: Short-rib thoracic dysplasia; Jeune syndrome; Infantile thoracic dystrophy; Thoracic pelvic phalangeal dystrophy; Jeune's syndrome; Chondroectodermal dysplasia-like syndrome. Identifiers: Orphanet 474, MedGen C0265275, MONDO:0018770.

gnomAD v4.1: 4 of 1,607,732 alleles (0.00025%); highest among the groups gnomAD compares: Non-Finnish European, 0.00025%; no homozygotes.

Submission:

Labcorp Genetics (formerly Invitae), Labcorp
Classification: Likely pathogenic for Jeune thoracic dystrophy. Last evaluated: 2023-06-29. Review status: criteria provided, single submitter. Criteria: Invitae Variant Classification Sherloc (09022015). Collection method: clinical testing. Allele origin: germline.
Comment: This sequence change affects an acceptor splice site in intron 29 of the DYNC2H1 gene. It is expected to disrupt RNA splicing. Variants that disrupt the donor or acceptor splice site typically lead to a loss of protein function (PMID: 16199547), and loss-of-function variants in DYNC2H1 are known to be pathogenic (PMID: 23339108, 32753734). This variant is not present in population databases (gnomAD no frequency). This variant has not been reported in the literature in individuals affected with DYNC2H1-related conditions. Algorithms developed to predict the effect of sequence changes on RNA splicing suggest that this variant may disrupt the consensus splice site. In summary, the currently available evidence indicates that the variant is pathogenic, but additional data are needed to prove that conclusively. Therefore, this variant has been classified as Likely Pathogenic.

Literature cited by the submitters: PubMed 16199547; PubMed 23339108; PubMed 32753734.

NM_001377.3(DYNC2H1):c.4492-1G>A

Gene: DYNC2H1 (dynein cytoplasmic 2 heavy chain 1; plus strand). Cytogenetic location: 11q22.3.
Variant type: single nucleotide variant.
Coding change: c.4492-1G>A on transcript NM_001377.3 (MANE Select); the canonical splice acceptor site of the intron before coding-DNA position 4492, G replaced by A.
Molecular consequence: splice acceptor variant.
Genome position (GRCh38, 1-based): chr11:103,163,027, G>A. VCF-style: chr11-103163027-G-A. GRCh37 (hg19) VCF-style: chr11-103033756-G-A.
Other names: c.4492-1G>A (NM_001080463.2).
Identifiers: ClinVar variation 2732782 (VCV002732782.3), dbSNP rs2497097065, ClinGen allele CA382239021.